The following is an entry in ClinVar:

NM_152383.5(DIS3L2):c.2166G>T (p.Arg722Ser)

Gene: DIS3L2 (DIS3 like 3'-5' exoribonuclease 2; plus strand). Cytogenetic location: 2q37.1.
Variant type: single nucleotide variant.
Coding change: c.2166G>T on transcript NM_152383.5 (MANE Select); coding-DNA position 2166, G replaced by T.
Protein change: p.Arg722Ser; replaces arginine 722 with serine.
Molecular consequence: missense variant. On other transcripts: non-coding transcript variant (2), intron variant (1).
Genome position (GRCh38, 1-based): chr2:232,334,376, G>T. VCF-style: chr2-232334376-G-T. GRCh37 (hg19) VCF-style: chr2-233199086-G-T.
Other names: c.1582-8969G>T (NM_001257281.2); short protein forms R722S.
Identifiers: ClinVar variation 1369113 (VCV001369113.6), dbSNP rs2106354197, ClinGen allele CA350977624.
Genomic context (GRCh38, chr2:232,334,376, plus strand): 5'-GCTCTTCCCAGCCCCCCAGGCTCCCACTCTCATGCCTCACCCCCTCTTCCCAGGCTATAG[G>T]GAGCGACTAGACATGGCGCCCGATACCCTGCAGAAACAGGCGGACCACTGTAACGACCGC-3'
Protein context (NP_689596.4, residues 712-732): HRLLAAALGY[Arg722Ser]ERLDMAPDTL

ClinVar aggregate classification (germline): Uncertain significance (1 of 4 stars; one submission).

Conditions:
Perlman syndrome (PRLMNS). Identifiers: Orphanet 2849, MedGen C0796113, MONDO:0009965, OMIM 267000.

Submission:

Labcorp Genetics (formerly Invitae), Labcorp
Classification: Uncertain significance for Perlman syndrome. Last evaluated: 2022-01-05. Review status: criteria provided, single submitter. Criteria: Invitae Variant Classification Sherloc (09022015). Collection method: clinical testing. Allele origin: germline.
Comment: In summary, the available evidence is currently insufficient to determine the role of this variant in disease. Therefore, it has been classified as a Variant of Uncertain Significance. Algorithms developed to predict the effect of sequence changes on RNA splicing suggest that this variant may create or strengthen a splice site. Algorithms developed to predict the effect of missense changes on protein structure and function output the following: SIFT: "Tolerated"; PolyPhen-2: "Benign"; Align-GVGD: "Class C0". The serine amino acid residue is found in multiple mammalian species, which suggests that this missense change does not adversely affect protein function. This variant has not been reported in the literature in individuals affected with DIS3L2-related conditions. This variant is not present in population databases (gnomAD no frequency). This sequence change replaces arginine, which is basic and polar, with serine, which is neutral and polar, at codon 722 of the DIS3L2 protein (p.Arg722Ser).